The following is an entry in ClinVar:

ClinVar aggregate classification (germline): Uncertain significance (1 of 4 stars; one submission).

Conditions:
Familial cancer of breast. Also called: BREAST CANCER, FAMILIAL; hereditary breast carcinoma; Hereditary breast cancer. Identifiers: Orphanet 227535, MedGen C0346153, MONDO:0016419, OMIM 114480. Disease mechanism: loss of function.

Submission:

Labcorp Genetics (formerly Invitae), Labcorp
Classification: Uncertain significance for Familial cancer of breast. Last evaluated: 2025-10-15. Review status: criteria provided, single submitter. Criteria: Invitae Variant Classification Sherloc (09022015). Collection method: clinical testing. Allele origin: germline.
Comment: This sequence change replaces proline, which is neutral and non-polar, with threonine, which is neutral and polar, at codon 610 of the BARD1 protein (p.Pro610Thr). This variant is not present in population databases (gnomAD no frequency). This variant has not been reported in the literature in individuals affected with BARD1-related conditions. An algorithm developed to predict the effect of missense changes on protein structure and function (PolyPhen-2) suggests that this variant is likely to be disruptive. In summary, the available evidence is currently insufficient to determine the role of this variant in disease. Therefore, it has been classified as a Variant of Uncertain Significance.

NM_000465.4(BARD1):c.1828C>A (p.Pro610Thr)

Gene: BARD1 (BRCA1 associated RING domain 1; minus strand). Cytogenetic location: 2q35.
Variant type: single nucleotide variant.
Coding change: c.1828C>A on transcript NM_000465.4 (MANE Select); coding-DNA position 1828, C replaced by A.
Protein change: p.Pro610Thr; replaces proline 610 with threonine.
Molecular consequence: missense variant. On other transcripts: non-coding transcript variant (3), intron variant (1).
Genome position (GRCh38, 1-based): chr2:214,745,142, G>T on the plus strand (C>A on the coding strand, the complement: BARD1 is on the minus strand). VCF-style: chr2-214745142-G-T. GRCh37 (hg19) VCF-style: chr2-215609866-G-T.
Other names: c.1771C>A, p.Pro591Thr (NM_001282543.2); c.475C>A, p.Pro159Thr (NM_001282545.2); c.418C>A, p.Pro140Thr (NM_001282548.2); c.365-14634C>A (NM_001282549.2); short protein forms P610T, P159T, P140T, P591T.
Identifiers: ClinVar variation 4774032 (VCV004774032.1).